The following is an entry in ClinVar:

ClinVar aggregate classification (germline): Uncertain significance (1 of 4 stars; one submission).

Allele frequency attached by ClinVar (database versions not stated): gnomAD exomes below 0.00001.
gnomAD v4.1: 2 of 1,538,336 alleles (0.00013%); highest among the groups gnomAD compares: Non-Finnish European, 0.00017%; no homozygotes.

Submission:

Labcorp Genetics (formerly Invitae), Labcorp
Classification: Uncertain significance. Last evaluated: 2020-10-14. Review status: criteria provided, single submitter. Criteria: Invitae Variant Classification Sherloc (09022015). Collection method: clinical testing. Allele origin: germline.
Comment: In summary, the available evidence is currently insufficient to determine the role of this variant in disease. Therefore, it has been classified as a Variant of Uncertain Significance. Advanced modeling of protein sequence and biophysical properties (such as structural, functional, and spatial information, amino acid conservation, physicochemical variation, residue mobility, and thermodynamic stability) performed at Invitae indicates that this missense variant is not expected to disrupt ADCY5 protein function. This variant has not been reported in the literature in individuals with ADCY5-related conditions. This variant is not present in population databases (ExAC no frequency). This sequence change replaces aspartic acid with valine at codon 77 of the ADCY5 protein (p.Asp77Val). The aspartic acid residue is moderately conserved and there is a large physicochemical difference between aspartic acid and valine.

NM_183357.3(ADCY5):c.230A>T (p.Asp77Val)

Gene: ADCY5 (adenylate cyclase 5; minus strand). Cytogenetic location: 3q21.1.
Variant type: single nucleotide variant.
Coding change: c.230A>T on transcript NM_183357.3 (MANE Select); coding-DNA position 230, A replaced by T.
Protein change: p.Asp77Val; replaces aspartic acid 77 with valine.
Molecular consequence: missense variant.
Genome position (GRCh38, 1-based): chr3:123,448,316, T>A on the plus strand (A>T on the coding strand, the complement: ADCY5 is on the minus strand). VCF-style: chr3-123448316-T-A. GRCh37 (hg19) VCF-style: chr3-123167163-T-A.
Other names: c.230A>T, p.Asp77Val (NM_001378259.1); short protein forms D77V.
Identifiers: ClinVar variation 1020793 (VCV001020793.8), dbSNP rs1945867183, ClinGen allele CA354358652.
Genomic context (GRCh38, chr3:123,448,316, plus strand): 5'-AAGCTGAAGCCGAAGCCCCCGGCCAGGGGGTCGTCACCGCTCAGCGGAGGATCGTCGTCG[T>A]CGTCGCTGCGCCAGCGGCTGGCCAGGCGCTGCTGCTGCTGCGGGGTCACCGCCCCCCCGG-3'
Protein context (NP_899200.1, residues 67-87): QRLASRWRSD[Asp77Val]DDDPPLSGDD